The following is an entry in ClinVar:

NM_000400.4(ERCC2):c.1238-1221A>G

Gene: ERCC2 (ERCC excision repair 2, TFIIH core complex helicase subunit; minus strand). Cytogenetic location: 19q13.32.
Variant type: single nucleotide variant.
Coding change: c.1238-1221A>G on transcript NM_000400.4 (MANE Select); 1221 bases into the intron before coding-DNA position 1238, A replaced by G.
Molecular consequence: intron variant.
Genome position (GRCh38, 1-based): chr19:45,358,920, T>C on the plus strand (A>G on the coding strand, the complement: ERCC2 is on the minus strand). VCF-style: chr19-45358920-T-C. GRCh37 (hg19) VCF-style: chr19-45862178-T-C.
Other names: c.1166-8A>G (NM_001130867.2).
Identifiers: ClinVar variation 2629158 (VCV002629158.1), dbSNP rs377139816, ClinGen allele CA9513443.
Genomic context (GRCh38, chr19:45,358,920, plus strand): 5'-TTAGGGATGAGATCTTTTTTGGTTCCTGCTGCTTCCACAGTGCTGAGCCTGGCCTGTTTG[T>C]TGAAGAAATAAATGAATGAATGAATTTACATATTCGGTTTCACACAGTGAAAAAAAATCA-3'

ClinVar aggregate classification (germline): Uncertain significance (1 of 4 stars; one submission).

Conditions:
ERCC2-related disorder. Also called: ERCC2-related conditions; ERCC2-related condition; ERCC2-related disorders. Identifiers: MedGen CN239291.

Allele frequency attached by ClinVar (database versions not stated): ExAC 0.00001; gnomAD 0.00003; gnomAD exomes 0.00004; TOPMed 0.00004; ESP Exome Variant Server 0.00010.
gnomAD v4.1: 30 of 770,972 alleles (0.0039%); highest among the groups gnomAD compares: Non-Finnish European, 0.0065%; no homozygotes.

Submission:

PreventionGenetics, part of Exact Sciences
Classification: Uncertain significance for ERCC2-related condition. Last evaluated: 2022-09-26. Review status: criteria provided, single submitter. Criteria: ACMG Guidelines, 2015. Collection method: clinical testing. Allele origin: germline.
Comment: The ERCC2 c.1166-8A>G variant is predicted to interfere with splicing. To our knowledge, this variant has not been reported in the literature. This variant is reported in 0.0041% of alleles in individuals of European (Non-Finnish) descent in gnomAD. At this time, the clinical significance of this variant is uncertain due to the absence of conclusive functional and genetic evidence.